The following is an entry in ClinVar:

ClinVar aggregate classification (germline): Pathogenic. Review status: criteria provided, multiple submitters, no conflicts (2 of 4 stars). 2 submissions from 2 submitters: Pathogenic (2). Last evaluated 2026-04-14.

Conditions:
Familial intrahepatic cholestasis. Identifiers: Orphanet 284385, MedGen CN296401, MONDO:0017290.
Progressive familial intrahepatic cholestasis type 3. Also called: MDR3 DEFICIENCY; Low Gamma-GT Familial Intrahepatic Cholestasis. Identifiers: Orphanet 79305, MedGen C1865643, MONDO:0011214, OMIM 602347.

Allele frequency attached by ClinVar (database versions not stated): gnomAD exomes below 0.00001.
gnomAD v4.1: 1 of 1,614,080 alleles (0.000062%); highest among the groups gnomAD compares: Non-Finnish European, 0.000085%; no homozygotes.

Submissions (2):

Genomenon, Inc
Classification: Pathogenic for Familial intrahepatic cholestasis. Last evaluated: 2026-04-14. Review status: criteria provided, single submitter. Criteria: Genomenon Sequence Variant Interpretation Standards - Updated. Collection method: curation. Allele origin: germline. Affected: yes.
Comment: ABCB4 p.Glu734Ter (c.2200G>T) is a nonsense variant that introduces a premature stop codon at amino acid position 734, creating a truncated protein that is predicted to undergo nonsense-mediated mRNA decay. This variant has been observed in at least one proband with an ABCB4-related disorder (PMID:37946251). It is absent or not present at a significant frequency in gnomAD. In conclusion, we classify ABCB4 p.Glu734Ter (c.2200G>T) as a pathogenic variant.

Oxford Medical Genetics Laboratories, Oxford University Hospitals NHS Foundation Trust
Classification: Pathogenic for Progressive familial intrahepatic cholestasis type 3. Last evaluated: 2023-03-23. Review status: criteria provided, single submitter. Criteria: ACMG Guidelines, 2015. Collection method: clinical testing. Allele origin: germline. Affected: yes.

Literature cited by the submitters: PubMed 37946251 (cited by Genomenon, Inc).

NM_000443.4(ABCB4):c.2200G>T (p.Glu734Ter)

Gene: ABCB4 (ATP binding cassette subfamily B member 4; minus strand). Cytogenetic location: 7q21.12.
Variant type: single nucleotide variant.
Coding change: c.2200G>T on transcript NM_000443.4 (MANE Select); coding-DNA position 2200, G replaced by T.
Protein change: p.Glu734Ter; replaces glutamic acid 734 with a stop codon.
Molecular consequence: nonsense.
Genome position (GRCh38, 1-based): chr7:87,423,917, C>A on the plus strand (G>T on the coding strand, the complement: ABCB4 is on the minus strand). VCF-style: chr7-87423917-C-A. GRCh37 (hg19) VCF-style: chr7-87053233-C-A.
Other names: c.2200G>T, p.Glu734Ter (NM_018849.3, NM_018850.3); short protein forms E734*.
Identifiers: ClinVar variation 2498173 (VCV002498173.2), dbSNP rs2546789793, ClinGen allele CA368030606.